The following is an entry in ClinVar:

NM_001197104.2(KMT2A):c.1018C>T (p.Leu340Phe)

Gene: KMT2A (lysine methyltransferase 2A; plus strand). Cytogenetic location: 11q23.3.
Variant type: single nucleotide variant.
Coding change: c.1018C>T on transcript NM_001197104.2 (MANE Select); coding-DNA position 1018, C replaced by T.
Protein change: p.Leu340Phe; replaces leucine 340 with phenylalanine.
Molecular consequence: missense variant.
Genome position (GRCh38, 1-based): chr11:118,472,177, C>T. VCF-style: chr11-118472177-C-T. GRCh37 (hg19) VCF-style: chr11-118342892-C-T.
Other names: c.1018C>T, p.Leu340Phe (NM_005933.4); short protein forms L340F.
Identifiers: ClinVar variation 1320691 (VCV001320691.5), dbSNP rs1458108170, ClinGen allele CA382808861.
Genomic context (GRCh38, chr11:118,472,177, plus strand): 5'-ATTAATTCTGAACTGGAAAAGCCCCAGAAAGTCCGGAAAGACAAGGAAGGAACACCTCCA[C>T]TTACAAAAGAAGATAAGACAGTTGTCAGACAAAGCCCTCGAAGGATTAAGCCAGTTAGGA-3'
Protein context (NP_001184033.1, residues 330-350): VRKDKEGTPP[Leu340Phe]TKEDKTVVRQ

ClinVar aggregate classification (germline): Uncertain significance. Review status: criteria provided, multiple submitters, no conflicts (2 of 4 stars). 2 submissions from 2 submitters: Uncertain significance (2). Last evaluated 2023-05-20.

Allele frequency attached by ClinVar (database versions not stated): gnomAD exomes below 0.00001; TOPMed below 0.00001.
gnomAD v4.1: 3 of 1,613,922 alleles (0.00019%); highest among the groups gnomAD compares: Non-Finnish European, 0.00025%; no homozygotes.

Submissions (2):

Labcorp Genetics (formerly Invitae), Labcorp
Classification: Uncertain significance. Last evaluated: 2023-05-20. Review status: criteria provided, single submitter. Criteria: Invitae Variant Classification Sherloc (09022015). Collection method: clinical testing. Allele origin: germline.
Comment: In summary, the available evidence is currently insufficient to determine the role of this variant in disease. Therefore, it has been classified as a Variant of Uncertain Significance. Advanced modeling of protein sequence and biophysical properties (such as structural, functional, and spatial information, amino acid conservation, physicochemical variation, residue mobility, and thermodynamic stability) performed at Invitae indicates that this missense variant is not expected to disrupt KMT2A protein function. ClinVar contains an entry for this variant (Variation ID: 1320691). This variant has not been reported in the literature in individuals affected with KMT2A-related conditions. This variant is not present in population databases (gnomAD no frequency). This sequence change replaces leucine, which is neutral and non-polar, with phenylalanine, which is neutral and non-polar, at codon 340 of the KMT2A protein (p.Leu340Phe).

GeneDx
Classification: Uncertain significance. Last evaluated: 2021-05-05. Review status: criteria provided, single submitter. Criteria: GeneDx Variant Classification Process June 2021. Collection method: clinical testing. Allele origin: germline. Affected: yes.
Comment: Not observed in large population cohorts (Lek et al., 2016); In silico analysis supports that this missense variant does not alter protein structure/function; Has not been previously published as pathogenic or benign to our knowledge